The following is an entry in ClinVar:

NM_003590.5(CUL3):c.1613T>C (p.Phe538Ser)

Gene: CUL3 (cullin 3; minus strand). Cytogenetic location: 2q36.2.
Variant type: single nucleotide variant.
Coding change: c.1613T>C on transcript NM_003590.5 (MANE Select); coding-DNA position 1613, T replaced by C.
Protein change: p.Phe538Ser; replaces phenylalanine 538 with serine.
Molecular consequence: missense variant.
Genome position (GRCh38, 1-based): chr2:224,497,847, A>G on the plus strand (T>C on the coding strand, the complement: CUL3 is on the minus strand). VCF-style: chr2-224497847-A-G. GRCh37 (hg19) VCF-style: chr2-225362564-A-G.
Other names: c.1415T>C, p.Phe472Ser (NM_001257197.2); c.1631T>C, p.Phe544Ser (NM_001257198.2); short protein forms F544S, F538S, F472S.
Identifiers: ClinVar variation 5010060 (VCV005010060.1).

ClinVar aggregate classification (germline): Uncertain significance (1 of 4 stars; one submission).

Submission:

GeneDx
Classification: Uncertain significance. Last evaluated: 2026-02-23. Review status: criteria provided, single submitter. Criteria: GeneDx Variant Classification Process June 2021. Collection method: clinical testing. Allele origin: germline.
Comment: Not observed at significant frequency in large population cohorts (gnomAD); In silico analysis supports that this missense variant has a deleterious effect on protein structure/function; Has not been previously published as pathogenic or benign to our knowledge